The following is an entry in ClinVar:

NM_005360.5(MAF):c.768C>G (p.His256Gln)

Gene: MAF (MAF bZIP transcription factor; minus strand). Cytogenetic location: 16q23.2.
Variant type: single nucleotide variant.
Coding change: c.768C>G on transcript NM_005360.5 (MANE Select); coding-DNA position 768, C replaced by G.
Protein change: p.His256Gln; replaces histidine 256 with glutamine.
Molecular consequence: missense variant.
Genome position (GRCh38, 1-based): chr16:79,599,135, G>C on the plus strand (C>G on the coding strand, the complement: MAF is on the minus strand). VCF-style: chr16-79599135-G-C. GRCh37 (hg19) VCF-style: chr16-79633032-G-C.
Other names: c.768C>G, p.His256Gln (NM_001031804.3); short protein forms H256Q.
Identifiers: ClinVar variation 474939 (VCV000474939.9), dbSNP rs1555529827, ClinGen allele CA396535277.

ClinVar aggregate classification (germline): Uncertain significance (1 of 4 stars; one submission).

Conditions:
Cataract 21 multiple types. Also called: Cataract, congenital, cerulean type, 4; CATARACT 21, MULTIPLE TYPES, WITH OR WITHOUT MICROCORNEA; CATARACT 21, CERULEAN, WITH OR WITHOUT MICROCORNEA; CATARACT 21, MULTIPLE TYPES, WITH MICROCORNEA. Identifiers: Orphanet 91492, MedGen C1857768, MONDO:0012437, OMIM 610202.
Ayme-Gripp syndrome. Also called: Aymé-Gripp Syndrome. Identifiers: MedGen C1832812, MONDO:0010992, OMIM 601088.

Allele frequency attached by ClinVar (database versions not stated): TOPMed below 0.00001.
gnomAD v4.1: 2 of 1,579,682 alleles (0.00013%); highest among the groups gnomAD compares: Non-Finnish European, 0.00017%; no homozygotes.

Submission:

Labcorp Genetics (formerly Invitae), Labcorp
Classification: Uncertain significance for Cataract 21 multiple types; Ayme-Gripp syndrome. Last evaluated: 2017-04-30. Review status: criteria provided, single submitter. Criteria: Invitae Variant Classification Sherloc (09022015). Collection method: clinical testing. Allele origin: germline.
Comment: In summary, this variant is a novel missense change with uncertain impact on protein function. It has been classified as a Variant of Uncertain Significance. Algorithms developed to predict the effect of sequence changes on RNA splicing suggest that this variant may alter RNA splicing, but this prediction has not been confirmed by published transcriptional studies. Algorithms developed to predict the effect of missense changes on protein structure and function (SIFT, PolyPhen-2, Align-GVGD) all suggest that this variant is likely to be tolerated, but these predictions have not been confirmed by published functional studies. This variant is not present in population databases (ExAC no frequency) and has not been reported in the literature in individuals with a MAF-related disease. This sequence change replaces histidine with glutamine at codon 256 of the MAF protein (p.His256Gln). The histidine residue is moderately conserved and there is a small physicochemical difference between histidine and glutamine.